The following is an entry in ClinVar:

NM_017654.4(SAMD9):c.3644C>A (p.Pro1215His)

Gene: SAMD9 (sterile alpha motif domain containing 9; minus strand). Cytogenetic location: 7q21.2.
Variant type: single nucleotide variant.
Coding change: c.3644C>A on transcript NM_017654.4 (MANE Select); coding-DNA position 3644, C replaced by A.
Protein change: p.Pro1215His; replaces proline 1215 with histidine.
Molecular consequence: missense variant.
Genome position (GRCh38, 1-based): chr7:93,102,454, G>T on the plus strand (C>A on the coding strand, the complement: SAMD9 is on the minus strand). VCF-style: chr7-93102454-G-T. GRCh37 (hg19) VCF-style: chr7-92731767-G-T.
Other names: c.3644C>A, p.Pro1215His (NM_001193307.2); short protein forms P1215H.
Identifiers: ClinVar variation 4848090 (VCV004848090.1).

ClinVar aggregate classification (germline): Uncertain significance (1 of 4 stars; one submission).

gnomAD v4.1: 6 of 1,613,384 alleles (0.00037%); highest among the groups gnomAD compares: Non-Finnish European, 0.00051%; no homozygotes.

Submission:

Women's Health and Genetics/Laboratory Corporation of America, LabCorp
Classification: Uncertain significance. Last evaluated: 2026-02-03. Review status: criteria provided, single submitter. Criteria: LabCorp Variant Classification Summary - May 2015. Collection method: clinical testing. Allele origin: germline.
Comment: Variant summary: SAMD9 c.3644C>A (p.Pro1215His) results in a non-conservative amino acid change in the encoded protein sequence. Algorithms developed to predict the effect of missense changes on protein structure and function are either unavailable or do not agree on the potential impact of this missense change. The variant allele was found at a frequency of 8e-06 in 250960 control chromosomes. The available data on variant occurrences in the general population are insufficient to allow any conclusion about variant significance. To our knowledge, no occurrence of c.3644C>A in individuals affected with SAMD9-related conditions and no experimental evidence demonstrating its impact on protein function have been reported. No submitters have cited clinical-significance assessments for this variant to ClinVar. Based on the evidence outlined above, the variant was classified as uncertain significance.